The following is an entry in ClinVar:

ClinVar aggregate classification (germline): Uncertain significance. Review status: criteria provided, multiple submitters, no conflicts (2 of 4 stars). 2 submissions from 2 submitters: Uncertain significance (2). Last evaluated 2025-05-07.

Conditions:
Arrhythmogenic right ventricular dysplasia 13. Also called: Arrhythmogenic right ventricular dysplasia, familial, 13; ARRHYTHMOGENIC RIGHT VENTRICULAR CARDIOMYOPATHY 13. Identifiers: MedGen C3810138, MONDO:0000908, OMIM 615616.

Allele frequency attached by ClinVar (database versions not stated): gnomAD 0.00001; TOPMed 0.00006.
gnomAD v4.1: 20 of 1,613,698 alleles (0.0012%); highest among the groups gnomAD compares: Admixed American, 0.032%; no homozygotes.

Submissions (2):

Ambry Genetics
Classification: Uncertain significance. Last evaluated: 2025-05-07. Review status: criteria provided, single submitter. Criteria: Ambry Variant Classification Scheme 2023. Collection method: clinical testing. Allele origin: germline.

Labcorp Genetics (formerly Invitae), Labcorp
Classification: Uncertain significance for Arrhythmogenic right ventricular dysplasia 13. Last evaluated: 2025-03-17. Review status: criteria provided, single submitter. Criteria: Invitae Variant Classification Sherloc (09022015). Collection method: clinical testing. Allele origin: germline.
Comment: This sequence change replaces proline, which is neutral and non-polar, with alanine, which is neutral and non-polar, at codon 44 of the CTNNA3 protein (p.Pro44Ala). This variant is present in population databases (rs759426077, gnomAD 0.05%), and has an allele count higher than expected for a pathogenic variant. This variant has not been reported in the literature in individuals affected with CTNNA3-related conditions. ClinVar contains an entry for this variant (Variation ID: 947955). Invitae Evidence Modeling of protein sequence and biophysical properties (such as structural, functional, and spatial information, amino acid conservation, physicochemical variation, residue mobility, and thermodynamic stability) indicates that this missense variant is not expected to disrupt CTNNA3 protein function with a negative predictive value of 80%. In summary, the available evidence is currently insufficient to determine the role of this variant in disease. Therefore, it has been classified as a Variant of Uncertain Significance.

NM_013266.4(CTNNA3):c.130C>G (p.Pro44Ala)

Gene: CTNNA3 (catenin alpha 3; minus strand). Cytogenetic location: 10q21.3.
Variant type: single nucleotide variant.
Coding change: c.130C>G on transcript NM_013266.4 (MANE Select); coding-DNA position 130, C replaced by G.
Protein change: p.Pro44Ala; replaces proline 44 with alanine.
Molecular consequence: missense variant.
Genome position (GRCh38, 1-based): chr10:67,607,019, G>C on the plus strand (C>G on the coding strand, the complement: CTNNA3 is on the minus strand). VCF-style: chr10-67607019-G-C. GRCh37 (hg19) VCF-style: chr10-69366777-G-C.
Other names: c.130C>G, p.Pro44Ala (NM_001127384.3); c.166C>G, p.Pro56Ala (NM_001291133.2); short protein forms P44A, P56A.
Identifiers: ClinVar variation 947955 (VCV000947955.10), dbSNP rs759426077, ClinGen allele CA5520696.
Genomic context (GRCh38, chr10:67,607,019, plus strand): 5'-CCTCCACAGAAGCTAGAAGGACACTGGCTCTTTTCGAACGTCCTTTTTTCCTGCTGGAAG[G>C]GTTCTGGGGACAGTTTACAAGTGTGGTAACCTAAAATTGGAAAAATACAAAGTACTAAAT-3'
Protein context (NP_037398.2, residues 34-54): VTTLVNCPQN[Pro44Ala]SSRKKGRSKR